The following is an entry in ClinVar:

NC_000002.11:g.(?_29443562)_(29448441_?)del

Gene: ALK (ALK receptor tyrosine kinase; minus strand). Cytogenetic location: 2p23.2.
Variant type: Deletion.
Identifiers: ClinVar variation 1411121 (VCV001411121.6).

ClinVar aggregate classification (germline): Uncertain significance (1 of 4 stars; one submission).

Conditions:
Neuroblastoma, susceptibility to, 3. Also called: ALK-Related Neuroblastic Tumor Susceptibility. Identifiers: Orphanet 635, MedGen C2751681, MONDO:0013083, OMIM 613014.

Submission:

Labcorp Genetics (formerly Invitae), Labcorp
Classification: Uncertain significance for Neuroblastoma, susceptibility to, 3. Last evaluated: 2021-06-18. Review status: criteria provided, single submitter. Criteria: Invitae Variant Classification Sherloc (09022015). Collection method: clinical testing. Allele origin: germline.
Comment: Experimental studies and prediction algorithms are not available or were not evaluated, and the functional significance of this variant is currently unknown. In summary, the available evidence is currently insufficient to determine the role of this variant in disease. Therefore, it has been classified as a Variant of Uncertain Significance. This variant has not been reported in the literature in individuals with ALK-related conditions. This variant is a gross deletion of the genomic region encompassing exon(s) 19-23 of the ALK gene. This deletion is out-of-frame, and is expected to create a premature translational stop signal and result in an absent or disrupted protein product. However, the current clinical and genetic evidence is not sufficient to establish whether loss-of-function variants in ALK cause disease.